The following is an entry in ClinVar:

ClinVar aggregate classification (germline): Uncertain significance. Review status: criteria provided, multiple submitters, no conflicts (2 of 4 stars). 2 submissions from 2 submitters: Uncertain significance (2). Last evaluated 2025-06-24.

Conditions:
Candidiasis, familial, 6 (CANDF6). Also called: Candidiasis, familial, 6, autosomal dominant. Identifiers: Orphanet 1334, MedGen C3151405, MONDO:0013503, OMIM 613956.

gnomAD v4.1: 13 of 1,614,084 alleles (0.00081%); highest among the groups gnomAD compares: Non-Finnish European, 0.0011%; no homozygotes.

Submissions (2):

Ambry Genetics
Classification: Uncertain significance. Last evaluated: 2025-06-24. Review status: criteria provided, single submitter. Criteria: Ambry Variant Classification Scheme 2023. Collection method: clinical testing. Allele origin: germline.

Labcorp Genetics (formerly Invitae), Labcorp
Classification: Uncertain significance for Candidiasis, familial, 6. Last evaluated: 2024-07-27. Review status: criteria provided, single submitter. Criteria: Invitae Variant Classification Sherloc (09022015). Collection method: clinical testing. Allele origin: germline.
Comment: This sequence change replaces valine, which is neutral and non-polar, with glycine, which is neutral and non-polar, at codon 155 of the IL17F protein (p.Val155Gly). This variant is present in population databases (rs746053425, gnomAD 0.0009%). This variant has not been reported in the literature in individuals affected with IL17F-related conditions. An algorithm developed to predict the effect of missense changes on protein structure and function (PolyPhen-2) suggests that this variant is likely to be disruptive. In summary, the available evidence is currently insufficient to determine the role of this variant in disease. Therefore, it has been classified as a Variant of Uncertain Significance.

NM_052872.4(IL17F):c.464T>G (p.Val155Gly)

Gene: IL17F (interleukin 17F; minus strand). Cytogenetic location: 6p12.2.
Variant type: single nucleotide variant.
Coding change: c.464T>G on transcript NM_052872.4 (MANE Select); coding-DNA position 464, T replaced by G.
Protein change: p.Val155Gly; replaces valine 155 with glycine.
Molecular consequence: missense variant.
Genome position (GRCh38, 1-based): chr6:52,236,959, A>C on the plus strand (T>G on the coding strand, the complement: IL17F is on the minus strand). VCF-style: chr6-52236959-A-C. GRCh37 (hg19) VCF-style: chr6-52101757-A-C.
Other names: short protein forms V155G.
Identifiers: ClinVar variation 3688272 (VCV003688272.3).